The following is an entry in ClinVar:

NM_000264.5(PTCH1):c.1216G>A (p.Val406Met)

Gene: PTCH1 (patched 1; minus strand). Cytogenetic location: 9q22.32.
Variant type: single nucleotide variant.
Coding change: c.1216G>A on transcript NM_000264.5 (MANE Select); coding-DNA position 1216, G replaced by A.
Protein change: p.Val406Met; replaces valine 406 with methionine.
Molecular consequence: missense variant. On other transcripts: non-coding transcript variant (1).
Genome position (GRCh38, 1-based): chr9:95,478,186, C>T on the plus strand (G>A on the coding strand, the complement: PTCH1 is on the minus strand). VCF-style: chr9-95478186-C-T. GRCh37 (hg19) VCF-style: chr9-98240468-C-T.
Other names: c.1018G>A, p.Val340Met (NM_001083602.3); c.1213G>A, p.Val405Met (NM_001083603.3); c.763G>A, p.Val255Met (NM_001083604.3, NM_001083605.3, NM_001083606.3 and 1 more transcripts); c.1216G>A, p.Val406Met (NM_001354918.2); short protein forms V255M, V340M, V405M, V406M.
Identifiers: ClinVar variation 959084 (VCV000959084.12), dbSNP rs756949381, ClinGen allele CA5138719.

ClinVar aggregate classification (germline): Uncertain significance. Review status: criteria provided, multiple submitters, no conflicts (2 of 4 stars). 2 submissions from 2 submitters: Uncertain significance (2). Last evaluated 2025-12-03.

Conditions:
Hereditary cancer-predisposing syndrome. Also called: Hereditary neoplastic syndrome; Tumor predisposition; Neoplastic Syndromes, Hereditary; Hereditary Cancer Syndrome. Identifiers: Orphanet 140162, MedGen C0027672, MeSH D009386, MONDO:0015356.
Gorlin syndrome. Also called: Basal cell nevus syndrome; Nevoid Basal Cell Carcinoma Syndrome. Identifiers: Orphanet 377, MedGen C0004779, MONDO:0007187.

Allele frequency attached by ClinVar (database versions not stated): gnomAD exomes below 0.00001 and 0.00001; ExAC 0.00001; gnomAD 0.00001.
gnomAD v4.1: 6 of 1,614,088 alleles (0.00037%); highest among the groups gnomAD compares: East Asian, 0.0067%; no homozygotes.

Submissions (2):

Labcorp Genetics (formerly Invitae), Labcorp
Classification: Uncertain significance for Gorlin syndrome. Last evaluated: 2025-12-03. Review status: criteria provided, single submitter. Criteria: Invitae Variant Classification Sherloc (09022015). Collection method: clinical testing. Allele origin: germline.
Comment: This sequence change replaces valine, which is neutral and non-polar, with methionine, which is neutral and non-polar, at codon 406 of the PTCH1 protein (p.Val406Met). This variant is present in population databases (rs756949381, gnomAD 0.02%). This variant has not been reported in the literature in individuals affected with PTCH1-related conditions. ClinVar contains an entry for this variant (Variation ID: 959084). Invitae Evidence Modeling of protein sequence and biophysical properties (such as structural, functional, and spatial information, amino acid conservation, physicochemical variation, residue mobility, and thermodynamic stability) indicates that this missense variant is not expected to disrupt PTCH1 protein function with a negative predictive value of 95%. In summary, the available evidence is currently insufficient to determine the role of this variant in disease. Therefore, it has been classified as a Variant of Uncertain Significance.

Ambry Genetics
Classification: Uncertain significance for Hereditary cancer-predisposing syndrome. Last evaluated: 2020-03-27. Review status: criteria provided, single submitter. Criteria: Ambry Variant Classification Scheme 2023. Collection method: clinical testing. Allele origin: germline.
Comment: The p.V406M variant (also known as c.1216G>A), located in coding exon 9 of the PTCH1 gene, results from a G to A substitution at nucleotide position 1216. The valine at codon 406 is replaced by methionine, an amino acid with highly similar properties. This change occurs in the first base pair of coding exon 9. This amino acid position is well conserved in available vertebrate species. In addition, the in silico prediction for this alteration is inconclusive. Since supporting evidence is limited at this time, the clinical significance of this alteration remains unclear.